The following is an entry in ClinVar:

NM_001723.7(DST):c.82A>C (p.Asn28His)

Gene: DST (dystonin; minus strand). Cytogenetic location: 6p12.1.
Variant type: single nucleotide variant.
Coding change: c.82A>C on transcript NM_001723.7 (MANE Plus Clinical); coding-DNA position 82, A replaced by C.
Protein change: p.Asn28His; replaces asparagine 28 with histidine.
Molecular consequence: missense variant. On other transcripts: intron variant (9).
Genome position (GRCh38, 1-based): chr6:56,642,707, T>G on the plus strand (A>C on the coding strand, the complement: DST is on the minus strand). VCF-style: chr6-56642707-T-G. GRCh37 (hg19) VCF-style: chr6-56507505-T-G.
Other names: c.82A>C, p.Asn28His (NM_015548.5); c.1680-204A>C (NM_001144769.5); c.1779-204A>C (NM_001374722.1, NM_001374736.1); c.1806-204A>C (NM_001374734.1); c.1266-204A>C (NM_001144770.2); c.1146-204A>C (NM_001374730.1, NM_001386100.1, NM_183380.4 and 1 more transcripts); short protein forms N28H.
Identifiers: ClinVar variation 836981 (VCV000836981.7), dbSNP rs1489546109, ClinGen allele CA364615586.
Genomic context (GRCh38, chr6:56,642,707, plus strand): 5'-CGAAGCTAATGCAAGAGTTGATCAGTGTTGGACCACAATGAACCAAGAGAAGATTTTCAT[T>G]TGAATCAAGACTGGTTCGAGTGCTGGTAGTGTTACTAAACACAGAATCACTGCTACGGTA-3'
Protein context (NP_001714.1, residues 18-38): TTSTRTSLDS[Asn28His]ENLLLVHCGP

ClinVar aggregate classification (germline): Uncertain significance (1 of 4 stars; one submission).

Conditions:
Hereditary sensory and autonomic neuropathy type 6. Also called: Neuropathy, hereditary sensory and autonomic, type VI; HSAN VI. Identifiers: Orphanet 314381, MedGen C3539003, MONDO:0013839, OMIM 614653.
Epidermolysis bullosa simplex 3, localized or generalized intermediate, with BP230 deficiency (EBS3). Also called: Epidermolysis bullosa simplex, autosomal recessive 2; Epidermolysis bullosa simplex due to BP230 deficiency. Identifiers: Orphanet 412181, MedGen C3809470, MONDO:0014180, OMIM 615425.

Allele frequency attached by ClinVar (database versions not stated): gnomAD exomes below 0.00001; TOPMed 0.00001.
gnomAD v4.1: 6 of 1,614,168 alleles (0.00037%); highest among the groups gnomAD compares: Non-Finnish European, 0.00051%; no homozygotes.

Submission:

Labcorp Genetics (formerly Invitae), Labcorp
Classification: Uncertain significance for Epidermolysis bullosa simplex 3, localized or generalized intermediate, with BP230 deficiency; Hereditary sensory and autonomic neuropathy type 6. Last evaluated: 2021-08-28. Review status: criteria provided, single submitter. Criteria: Invitae Variant Classification Sherloc (09022015). Collection method: clinical testing. Allele origin: germline.
Comment: This sequence change replaces asparagine with histidine at codon 28 of the DST protein (p.Asn28His). The asparagine residue is weakly conserved and there is a small physicochemical difference between asparagine and histidine. This variant is not present in population databases (ExAC no frequency). This variant has not been reported in the literature in individuals affected with DST-related conditions. Algorithms developed to predict the effect of missense changes on protein structure and function are either unavailable or do not agree on the potential impact of this missense change (SIFT: "Deleterious"; PolyPhen-2: "Possibly Damaging"; Align-GVGD: "Class C0"). In summary, the available evidence is currently insufficient to determine the role of this variant in disease. Therefore, it has been classified as a Variant of Uncertain Significance.